The following is an entry in ClinVar:

ClinVar aggregate classification (germline): Uncertain significance (1 of 4 stars; one submission).

Conditions:
PLXNA3-related disorder. Also called: PLXNA3-related condition.

Submission:

PreventionGenetics, part of Exact Sciences
Classification: Uncertain significance for PLXNA3-related condition. Last evaluated: 2026-08-24. Review status: criteria provided, single submitter. Criteria: ACMG Guidelines, 2015. Collection method: clinical testing. Allele origin: germline.
Comment: The PLXNA3 c.2280_2285dup6 variant is predicted to result in an in-frame duplication (p.Glu760_Leu761dup). To our knowledge, this variant has not been reported in the literature or in a large population database (gnomAD), indicating this variant is rare. At this time, the clinical significance of this variant is uncertain due to the absence of conclusive functional and genetic evidence.

NM_017514.5(PLXNA3):c.2280_2285dup (p.Leu761_Asp762insGluLeu)

Gene: PLXNA3 (plexin A3; plus strand). Cytogenetic location: Xq28.
Variant type: Duplication.
Coding change: c.2280_2285dup on transcript NM_017514.5 (MANE Select); coding-DNA positions 2280 to 2285, 6 bases duplicated (GCTGGA; older notation c.2280_2285dupGCTGGA).
Protein change: p.Leu761_Asp762insGluLeu.
Molecular consequence: inframe insertion. On other transcripts: inframe indel (1).
Genome position (GRCh38, 1-based): chrX:154,465,459-154,465,464, GCTGGA duplicated; duplicating any 6 consecutive bases within chrX:154,465,457-154,465,464 gives the same sequence; the c. name uses the placement nearest the transcript's 3' end. VCF-style (leftmost placement, unchanged base first): chrX-154465456-C-CGAGCTG. GRCh37 (hg19) VCF-style: chrX-153693799-C-CGAGCTG.
Other names: c.2280_2285dup6 (NM_017514.4).
Identifiers: ClinVar variation 4983252 (VCV004983252.1).